The following is an entry in ClinVar:

ClinVar aggregate classification (germline): Benign. Review status: criteria provided, multiple submitters, no conflicts (2 of 4 stars). 3 submissions from 3 submitters: Benign (2). 1 of the submissions does not count toward it. Last evaluated 2018-07-15.

Conditions:
LRP1B-related disorder. Also called: LRP1B-related condition.

Allele frequency attached by ClinVar (database versions not stated): 1000 Genomes Project 0.00319; gnomAD 0.00490 and 0.00446; TOPMed 0.00511; 1000 Genomes Project 30x 0.00406; gnomAD exomes 0.00109; ExAC 0.00125; ESP Exome Variant Server 0.00546.
gnomAD v4.1: 1,345 of 1,612,788 alleles (0.083%); highest among the groups gnomAD compares: African/African-American, 1.6%; 8 homozygotes.

Submissions (3):

Labcorp Genetics (formerly Invitae), Labcorp
Classification: Benign. Last evaluated: 2018-07-15. Review status: criteria provided, single submitter. Criteria: Invitae Variant Classification Sherloc (09022015). Collection method: clinical testing. Allele origin: germline.

Breakthrough Genomics
Classification: Benign. Review status: criteria provided, single submitter. Criteria: ACMG Guidelines, 2015. Collection method: not provided. Allele origin: germline. Inheritance: Unknown mechanism. Affected: yes.

PreventionGenetics, part of Exact Sciences
Classification: Likely benign for LRP1B-related condition. Last evaluated: 2019-03-26. Review status: no assertion criteria provided. Collection method: clinical testing. Allele origin: germline. Not counted in ClinVar's aggregate classification.
Comment: This variant is classified as likely benign based on ACMG/AMP sequence variant interpretation guidelines (Richards et al. 2015 PMID: 25741868, with internal and published modifications).

NM_018557.3(LRP1B):c.8514G>A (p.Pro2838=)

Gene: LRP1B (LDL receptor related protein 1B; minus strand). Cytogenetic location: 2q22.1.
Variant type: single nucleotide variant.
Coding change: c.8514G>A on transcript NM_018557.3 (MANE Select); coding-DNA position 8514, G replaced by A.
Protein change: p.Pro2838=; no amino-acid change (proline 2838 retained).
Molecular consequence: synonymous variant.
Genome position (GRCh38, 1-based): chr2:140,506,803, C>T on the plus strand (G>A on the coding strand, the complement: LRP1B is on the minus strand). VCF-style: chr2-140506803-C-T. GRCh37 (hg19) VCF-style: chr2-141264372-C-T.
Identifiers: ClinVar variation 785978 (VCV000785978.6), dbSNP rs139084384, ClinGen allele CA1893967.